The following is an entry in ClinVar:

NM_000526.5(KRT14):c.678C>A (p.Asp226Glu)

Gene: KRT14 (keratin 14; minus strand). Cytogenetic location: 17q21.2.
Variant type: single nucleotide variant.
Coding change: c.678C>A on transcript NM_000526.5 (MANE Select); coding-DNA position 678, C replaced by A.
Protein change: p.Asp226Glu; replaces aspartic acid 226 with glutamic acid.
Molecular consequence: missense variant.
Genome position (GRCh38, 1-based): chr17:41,584,344, G>T on the plus strand (C>A on the coding strand, the complement: KRT14 is on the minus strand). VCF-style: chr17-41584344-G-T. GRCh37 (hg19) VCF-style: chr17-39740596-G-T.
Other names: short protein forms D226E.
Identifiers: ClinVar variation 2763642 (VCV002763642.3), dbSNP rs778024258, ClinGen allele CA399478287.
Genomic context (GRCh38, chr17:41,584,344, plus strand): 5'-CAGCTCCTCCTTCAGGCTCTCAATCTGCATCTCCAGGTCAGCTCTGGCCAGGGTCAGTTC[G>T]TCCAGCACCCTGCGCAGGCCATTGATGTCGGCTTCCACACTCATGCGCAGGTTCAACTCT-3'
Protein context (NP_000517.3, residues 216-236): ADINGLRRVL[Asp226Glu]ELTLARADLE

ClinVar aggregate classification (germline): Uncertain significance (1 of 4 stars; one submission).

gnomAD v4.1: 1 of 1,613,916 alleles (0.000062%); highest among the groups gnomAD compares: South Asian, 0.0011%; no homozygotes.

Submission:

Labcorp Genetics (formerly Invitae), Labcorp
Classification: Uncertain significance. Last evaluated: 2023-10-04. Review status: criteria provided, single submitter. Criteria: Invitae Variant Classification Sherloc (09022015). Collection method: clinical testing. Allele origin: germline.
Comment: This sequence change replaces aspartic acid, which is acidic and polar, with glutamic acid, which is acidic and polar, at codon 226 of the KRT14 protein (p.Asp226Glu). This variant is present in population databases (no rsID available, gnomAD 0.003%). This variant has not been reported in the literature in individuals affected with KRT14-related conditions. Advanced modeling of protein sequence and biophysical properties (such as structural, functional, and spatial information, amino acid conservation, physicochemical variation, residue mobility, and thermodynamic stability) performed at Invitae indicates that this missense variant is not expected to disrupt KRT14 protein function. In summary, the available evidence is currently insufficient to determine the role of this variant in disease. Therefore, it has been classified as a Variant of Uncertain Significance.